The following is an entry in ClinVar:

NM_031935.3(HMCN1):c.8410G>A (p.Ala2804Thr)

Gene: HMCN1 (hemicentin 1; plus strand). Cytogenetic location: 1q31.1.
Variant type: single nucleotide variant.
Coding change: c.8410G>A on transcript NM_031935.3 (MANE Select); coding-DNA position 8410, G replaced by A.
Protein change: p.Ala2804Thr; replaces alanine 2804 with threonine.
Molecular consequence: missense variant.
Genome position (GRCh38, 1-based): chr1:186,076,547, G>A. VCF-style: chr1-186076547-G-A. GRCh37 (hg19) VCF-style: chr1-186045679-G-A.
Other names: short protein forms A2804T.
Identifiers: ClinVar variation 2006631 (VCV002006631.4), dbSNP rs1279490872, ClinGen allele CA343912513.

ClinVar aggregate classification (germline): Uncertain significance (1 of 4 stars; one submission).

gnomAD v4.1: 5 of 1,613,752 alleles (0.00031%); highest among the groups gnomAD compares: Admixed American, 0.0033%; no homozygotes.

Submission:

Labcorp Genetics (formerly Invitae), Labcorp
Classification: Uncertain significance. Last evaluated: 2022-06-14. Review status: criteria provided, single submitter. Criteria: Invitae Variant Classification Sherloc (09022015). Collection method: clinical testing. Allele origin: germline.
Comment: This sequence change replaces alanine, which is neutral and non-polar, with threonine, which is neutral and polar, at codon 2804 of the HMCN1 protein (p.Ala2804Thr). This variant is present in population databases (no rsID available, gnomAD 0.006%). This variant has not been reported in the literature in individuals affected with HMCN1-related conditions. Algorithms developed to predict the effect of missense changes on protein structure and function are either unavailable or do not agree on the potential impact of this missense change (SIFT: "Tolerated"; PolyPhen-2: "Possibly Damaging"; Align-GVGD: "Class C0"). In summary, the available evidence is currently insufficient to determine the role of this variant in disease. Therefore, it has been classified as a Variant of Uncertain Significance.